The following is an entry in ClinVar:

NM_001918.5(DBT):c.663dup (p.Lys222fs)

Gene: DBT (dihydrolipoamide branched chain transacylase E2; minus strand). Cytogenetic location: 1p21.2.
Variant type: Duplication.
Coding change: c.663dup on transcript NM_001918.5 (MANE Select); coding-DNA position 663, one base duplicated (C; older notation c.663dupC).
Protein change: p.Lys222fs; shifts the reading frame from lysine 222.
Molecular consequence: frameshift variant. On other transcripts: non-coding transcript variant (3).
Genome position (GRCh38, 1-based): chr1:100,216,092, G duplicated on the plus strand (C on the coding strand, the reverse complement: DBT is on the minus strand); the first of 3 consecutive G bases (chr1:100,216,092-100,216,094); duplicating any one gives the same sequence. VCF-style (leftmost placement, unchanged base first): chr1-100216091-T-TG. GRCh37 (hg19) VCF-style: chr1-100681647-T-TG.
Other names: c.120dup, p.Lys41fs (NM_001399969.1, NM_001399972.1); short protein forms K222fs, K41fs.
Identifiers: ClinVar variation 5015969 (VCV005015969.1).

ClinVar aggregate classification (germline): Pathogenic (1 of 4 stars; one submission).

Conditions:
Maple syrup urine disease type 2 (MSUD2). Also called: Maple syrup urine disease, type II. Identifiers: MedGen C1855371, MONDO:0023693, OMIM 620699.

Submission:

Myriad Genetics, Inc.
Classification: Pathogenic for Maple syrup urine disease type 2. Last evaluated: 2026-05-29. Review status: criteria provided, single submitter. Criteria: Myriad Autosomal Dominant, Autosomal Recessive and X-Linked Classification Criteria (2023). Collection method: clinical testing. Allele origin: unknown.
Comment: NM_001918.3(DBT):c.663dupC(K222Qfs*3) is expected to be pathogenic in the context of maple syrup urine disease type II. This variant is predicted to lead to an abnormal or absent protein product due to the creation of a premature termination codon in DBT, a gene where loss-of-function variants are known to be pathogenic. Please note: this variant was assessed in the context of healthy population screening.